The following is an entry in ClinVar:

NM_203486.3(DLL3):c.316G>A (p.Gly106Ser)

Gene: DLL3 (delta like canonical Notch ligand 3; plus strand). Cytogenetic location: 19q13.2.
Variant type: single nucleotide variant.
Coding change: c.316G>A on transcript NM_203486.3 (MANE Select); coding-DNA position 316, G replaced by A.
Protein change: p.Gly106Ser; replaces glycine 106 with serine.
Molecular consequence: missense variant.
Genome position (GRCh38, 1-based): chr19:39,499,438, G>A. VCF-style: chr19-39499438-G-A. GRCh37 (hg19) VCF-style: chr19-39990078-G-A.
Other names: c.316G>A, p.Gly106Ser (NM_016941.4); short protein forms G106S.
Identifiers: ClinVar variation 1370776 (VCV001370776.3), dbSNP rs2079597000, ClinGen allele CA405794153.

ClinVar aggregate classification (germline): Uncertain significance (1 of 4 stars; one submission).

Allele frequency attached by ClinVar (database versions not stated): gnomAD exomes below 0.00001; TOPMed 0.00001.
gnomAD v4.1: 1 of 1,591,452 alleles (0.000063%); highest among the groups gnomAD compares: South Asian, 0.0011%; no homozygotes.

Submission:

Labcorp Genetics (formerly Invitae), Labcorp
Classification: Uncertain significance. Last evaluated: 2022-08-16. Review status: criteria provided, single submitter. Criteria: Invitae Variant Classification Sherloc (09022015). Collection method: clinical testing. Allele origin: germline.
Comment: This sequence change replaces glycine, which is neutral and non-polar, with serine, which is neutral and polar, at codon 106 of the DLL3 protein (p.Gly106Ser). This variant is not present in population databases (gnomAD no frequency). This variant has not been reported in the literature in individuals affected with DLL3-related conditions. ClinVar contains an entry for this variant (Variation ID: 1370776). Algorithms developed to predict the effect of missense changes on protein structure and function output the following: SIFT: "Deleterious"; PolyPhen-2: "Benign"; Align-GVGD: "Class C0". The serine amino acid residue is found in multiple mammalian species, which suggests that this missense change does not adversely affect protein function. Algorithms developed to predict the effect of sequence changes on RNA splicing suggest that this variant may create or strengthen a splice site. In summary, the available evidence is currently insufficient to determine the role of this variant in disease. Therefore, it has been classified as a Variant of Uncertain Significance.